The following is an entry in ClinVar:

ClinVar aggregate classification (germline): Uncertain significance (1 of 4 stars; one submission).

Submission:

Labcorp Genetics (formerly Invitae), Labcorp
Classification: Uncertain significance. Last evaluated: 2024-05-15. Review status: criteria provided, single submitter. Criteria: Invitae Variant Classification Sherloc (09022015). Collection method: clinical testing. Allele origin: germline.
Comment: This sequence change replaces asparagine, which is neutral and polar, with histidine, which is basic and polar, at codon 216 of the GABRA2 protein (p.Asn216His). This variant is not present in population databases (gnomAD no frequency). This variant has not been reported in the literature in individuals affected with GABRA2-related conditions. ClinVar contains an entry for this variant (Variation ID: 2108791). An algorithm developed to predict the effect of missense changes on protein structure and function (PolyPhen-2) suggests that this variant is likely to be disruptive. In summary, the available evidence is currently insufficient to determine the role of this variant in disease. Therefore, it has been classified as a Variant of Uncertain Significance.

NM_000807.4(GABRA2):c.646A>C (p.Asn216His)

Gene: GABRA2 (gamma-aminobutyric acid type A receptor subunit alpha2; minus strand). Cytogenetic location: 4p12.
Variant type: single nucleotide variant.
Coding change: c.646A>C on transcript NM_000807.4 (MANE Select); coding-DNA position 646, A replaced by C.
Protein change: p.Asn216His; replaces asparagine 216 with histidine.
Molecular consequence: missense variant.
Genome position (GRCh38, 1-based): chr4:46,305,625, T>G on the plus strand (A>C on the coding strand, the complement: GABRA2 is on the minus strand). VCF-style: chr4-46305625-T-G. GRCh37 (hg19) VCF-style: chr4-46307642-T-G.
Other names: c.646A>C, p.Asn216His (NM_001114175.3, NM_001330690.2, NM_001377144.1 and 8 more transcripts); c.481A>C, p.Asn161His (NM_001286827.3, NM_001377152.1, NM_001377153.1 and 1 more transcripts); short protein forms N161H, N216H.
Identifiers: ClinVar variation 2108791 (VCV002108791.4), dbSNP rs2475644879, ClinGen allele CA356798706.
Genomic context (GRCh38, chr4:46,305,625, plus strand): 5'-AACCTGTACTGGATTTAATTGTCTCCTTTCCGATTGATTGGCCCAGCAGGTCATATTGAT[T>G]TAACCTAGAGCCATCAGGAGCAACCTGTACTGAATCAGATGCATTGTAAGTCCAAATATA-3'
Protein context (NP_000798.2, residues 206-226): VQVAPDGSRL[Asn216His]QYDLLGQSIG